The following is an entry in ClinVar:

NM_001927.4(DES):c.725T>A (p.Val242Glu)

Gene: DES (desmin; plus strand). Cytogenetic location: 2q35.
Variant type: single nucleotide variant.
Coding change: c.725T>A on transcript NM_001927.4 (MANE Select); coding-DNA position 725, T replaced by A.
Protein change: p.Val242Glu; replaces valine 242 with glutamic acid.
Molecular consequence: missense variant.
Genome position (GRCh38, 1-based): chr2:219,420,336, T>A. VCF-style: chr2-219420336-T-A. GRCh37 (hg19) VCF-style: chr2-220285058-T-A.
Other names: p.V242E:GTG>GAG; c.725T>A (LRG_380t1); short protein forms V242E.
Identifiers: ClinVar variation 201701 (VCV000201701.9), dbSNP rs794728984, ClinGen allele CA308257.

ClinVar aggregate classification (germline): Uncertain significance. Review status: criteria provided, multiple submitters, no conflicts (2 of 4 stars). 5 submissions from 5 submitters: Uncertain significance (2). 3 of the submissions do not count toward it. Last evaluated 2023-07-20.

Conditions:
Desmin-related myofibrillar myopathy (MFM1). Also called: MYOFIBRILLAR MYOPATHY WITH ARRHYTHMOGENIC RIGHT VENTRICULAR CARDIOMYOPATHY; DESMIN-RELATED MYOPATHY WITH ARRHYTHMOGENIC RIGHT VENTRICULAR CARDIOMYOPATHY; Myofibrillar myopathy 1; Desminopathy; Desmin related myopathy (former name); Desmin storage myopathy (former name). Identifiers: Orphanet 363543, Orphanet 98909, MedGen C1832370, MONDO:0011076, OMIM 601419.

Allele frequency attached by ClinVar (database versions not stated): gnomAD exomes below 0.00001.
gnomAD v4.1: 5 of 1,614,022 alleles (0.00031%); highest among the groups gnomAD compares: Non-Finnish European, 0.00042%; no homozygotes.

Submissions (5):

Labcorp Genetics (formerly Invitae), Labcorp
Classification: Uncertain significance for Desmin-related myofibrillar myopathy. Last evaluated: 2023-07-20. Review status: criteria provided, single submitter. Criteria: Invitae Variant Classification Sherloc (09022015). Collection method: clinical testing. Allele origin: germline.
Comment: This sequence change replaces valine, which is neutral and non-polar, with glutamic acid, which is acidic and polar, at codon 242 of the DES protein (p.Val242Glu). This variant is not present in population databases (gnomAD no frequency). This missense change has been observed in individual(s) with dilated cardiomyopathy (PMID: 32880476). ClinVar contains an entry for this variant (Variation ID: 201701). Advanced modeling of protein sequence and biophysical properties (such as structural, functional, and spatial information, amino acid conservation, physicochemical variation, residue mobility, and thermodynamic stability) has been performed at Invitae for this missense variant, however the output from this modeling did not meet the statistical confidence thresholds required to predict the impact of this variant on DES protein function. In summary, the available evidence is currently insufficient to determine the role of this variant in disease. Therefore, it has been classified as a Variant of Uncertain Significance.

GeneDx
Classification: Uncertain significance. Last evaluated: 2016-01-19. Review status: criteria provided, single submitter. Criteria: GeneDx Variant Classification (06012015). Collection method: clinical testing. Allele origin: germline. Affected: yes.
Comment: The Val242Glu variant of uncertain significance in the DES gene has not been reported as a pathogenic variantor as a benign variant to our knowledge. Val242Glu results in a non-conservative amino acid substitution of anon-polar Valine with a negatively charged Glutamic acid at a position where only amino acids with similarproperties to Valine are tolerated across species. In silico analysis predicts Val242Glu is probably damaging tothe protein structure/function. Missense variants in nearby residues (Glu245Asp, Glu246Asp) have been reported inHGMD in association with myopathy (Stenson et al., 2014), further supporting the functional importance of thisregion of the protein. Furthermore, the Val242Glu variant was not observed in approximately 6,500 individuals ofEuropean and African American ancestry in the NHLBI Exome Sequencing Project, indicating it is not a commonbenign variant in these populations.However, additional evidence is needed to determine whether this variant is pathogenic or benign.

Diagnostic Laboratory, Department of Genetics, University Medical Center Groningen
Classification: Uncertain significance. Review status: no assertion criteria provided. Collection method: clinical testing. Allele origin: germline. Affected: yes. Study: VKGL Data-share Consensus. Not counted in ClinVar's aggregate classification.

Genome Diagnostics Laboratory, University Medical Center Utrecht
Classification: Uncertain significance. Review status: no assertion criteria provided. Collection method: clinical testing. Allele origin: germline. Affected: yes. Study: VKGL Data-share Consensus. Not counted in ClinVar's aggregate classification.

Joint Genome Diagnostic Labs from Nijmegen and Maastricht, Radboudumc and MUMC+
Classification: Uncertain significance. Review status: no assertion criteria provided. Collection method: clinical testing. Allele origin: germline. Affected: yes. Study: VKGL Data-share Consensus. Not counted in ClinVar's aggregate classification.

Literature cited by the submitters: PubMed 32880476 (cited by Labcorp Genetics (formerly Invitae), Labcorp).